The following is an entry in ClinVar:

ClinVar aggregate classification (germline): Uncertain significance (1 of 4 stars; one submission).

Submission:

Labcorp Genetics (formerly Invitae), Labcorp
Classification: Uncertain significance. Last evaluated: 2022-05-08. Review status: criteria provided, single submitter. Criteria: Invitae Variant Classification Sherloc (09022015). Collection method: clinical testing. Allele origin: germline.
Comment: Algorithms developed to predict the effect of missense changes on protein structure and function are either unavailable or do not agree on the potential impact of this missense change (SIFT: "Deleterious"; PolyPhen-2: "Possibly Damaging"; Align-GVGD: "Class C15"). In summary, the available evidence is currently insufficient to determine the role of this variant in disease. Therefore, it has been classified as a Variant of Uncertain Significance. This variant has not been reported in the literature in individuals affected with CEP97-related conditions. This variant is not present in population databases (gnomAD no frequency). This sequence change replaces glutamic acid, which is acidic and polar, with glycine, which is neutral and non-polar, at codon 610 of the CEP97 protein (p.Glu610Gly).

NM_024548.4(CEP97):c.1829A>G (p.Glu610Gly)

Gene: CEP97 (centrosomal protein 97; plus strand). Cytogenetic location: 3q12.3.
Variant type: single nucleotide variant.
Coding change: c.1829A>G on transcript NM_024548.4 (MANE Select); coding-DNA position 1829, A replaced by G.
Protein change: p.Glu610Gly; replaces glutamic acid 610 with glycine.
Molecular consequence: missense variant.
Genome position (GRCh38, 1-based): chr3:101,762,496, A>G. VCF-style: chr3-101762496-A-G. GRCh37 (hg19) VCF-style: chr3-101481340-A-G.
Other names: c.1652A>G, p.Glu551Gly (NM_001303401.2); c.1727A>G, p.Glu576Gly (NM_001410784.1); c.1550A>G, p.Glu517Gly (NM_001410785.1); short protein forms E576G, E610G, E517G, E551G.
Identifiers: ClinVar variation 2135601 (VCV002135601.4), dbSNP rs2545850208, ClinGen allele CA353880057.
Genomic context (GRCh38, chr3:101,762,496, plus strand): 5'-AGTCAAAGCACCCTTCCTTATGTCAATAATGTGTTTTGAATTATTGTAGATTACGAAAAG[A>G]AAGAGATGAAGAACGTATTAAAAAATTTGTACAAGAAGAAGCTTTCAGATTCCTTTGGAA-3'
Protein context (NP_078824.2, residues 600-620): LTDEIRRLRK[Glu610Gly]RDEERIKKFV